The following is an entry in ClinVar:

ClinVar aggregate classification (germline): Likely benign. Review status: criteria provided, multiple submitters, no conflicts (2 of 4 stars). 2 submissions from 2 submitters: Likely benign (2). Last evaluated 2023-06-08.

Conditions:
Cardiomyopathy (CMYO). Also called: Cardiomyopathies. Identifiers: Orphanet 167848, MedGen C0878544, MONDO:0004994, HP:0001638. Inheritance: Various modes of inheritance.
Hypertrophic cardiomyopathy. Also called: HYPERTROPHIC MYOCARDIOPATHY. Identifiers: Orphanet 217569, MedGen C0007194, MeSH D002312, MONDO:0005045, HP:0001639.

Submissions (2):

All of Us Research Program, National Institutes of Health
Classification: Likely benign for Hypertrophic cardiomyopathy. Last evaluated: 2023-06-08. Review status: criteria provided, single submitter. Criteria: ACMG Guidelines, 2015. Collection method: clinical testing. Allele origin: germline. Inheritance: Autosomal dominant inheritance. Observed: 1 variant allele, 1 heterozygote.
Comment: This study involves interpretation of variants in research participants for the purpose of population health screening. Participant phenotype was not available at the time of variant classification. Additional details can be found in publication PMID: 35346344, PMCID: PMC8962531

Color Diagnostics, LLC DBA Color Health
Classification: Likely benign for Cardiomyopathy. Last evaluated: 2022-05-26. Review status: criteria provided, single submitter. Criteria: ACMG Guidelines, 2015. Collection method: clinical testing. Allele origin: germline.

NM_000258.3(MYL3):c.560-19_560-16del

Gene: MYL3 (myosin light chain 3; minus strand). Cytogenetic location: 3p21.31.
Variant type: Microsatellite.
Coding change: c.560-19_560-16del on transcript NM_000258.3 (MANE Select); 19 bases into the intron before coding-DNA position 560 through 16 bases into the intron before coding-DNA position 560, 4 bases deleted (ACTC; older notation c.560-19_560-16delACTC).
Molecular consequence: intron variant.
Genome position (GRCh38, 1-based): chr3:46,858,288-46,858,291, GAGT deleted on the plus strand (ACTC on the coding strand, the reverse complement: MYL3 is on the minus strand); deleting any 4 consecutive bases within chr3:46,858,288-46,858,296 gives the same sequence; the c. name uses the placement nearest the transcript's 3' end. VCF-style (leftmost placement, unchanged base first): chr3-46858287-AGAGT-A. GRCh37 (hg19) VCF-style: chr3-46899777-AGAGT-A.
Other names: c.560-19_560-16del (NM_001406939.1, NM_001406938.1, NM_001406937.1); c.386-19_386-16del (NM_001406940.1); c.371-19_371-16del (NM_001406941.1).
Identifiers: ClinVar variation 2773983 (VCV002773983.3), dbSNP rs2544962769, ClinGen allele CA2665478231.
Genomic context (GRCh38, chr3:46,858,287, plus strand): 5'-CTACCTGGGCACGAGGTTTAGCTGGACATGATGTGCTTCACAAATGCTGGAAAGAAGAGG[AGAGT>A]GAGTGGCAGGAGTGCAACATGGGGAAGCCATGGCTGGGAGCCTGGGTCCCAGCACTCCCC-3'